The following is an entry in ClinVar:

ClinVar aggregate classification (germline): Uncertain significance (1 of 4 stars; one submission).

Allele frequency attached by ClinVar (database versions not stated): gnomAD exomes below 0.00001.

Submission:

GeneDx
Classification: Uncertain significance. Last evaluated: 2022-10-10. Review status: criteria provided, single submitter. Criteria: GeneDx Variant Classification Process June 2021. Collection method: clinical testing. Allele origin: germline. Affected: yes.
Comment: Not observed at significant frequency in large population cohorts (gnomAD); In silico analysis supports that this missense variant has a deleterious effect on protein structure/function; Has not been previously published as pathogenic or benign to our knowledge

NM_020461.4(TUBGCP6):c.5155A>G (p.Lys1719Glu)

Gene: TUBGCP6 (tubulin gamma complex component 6; minus strand). Cytogenetic location: 22q13.33.
Variant type: single nucleotide variant.
Coding change: c.5155A>G on transcript NM_020461.4 (MANE Select); coding-DNA position 5155, A replaced by G.
Protein change: p.Lys1719Glu; replaces lysine 1719 with glutamic acid.
Molecular consequence: missense variant.
Genome position (GRCh38, 1-based): chr22:50,218,202, T>C on the plus strand (A>G on the coding strand, the complement: TUBGCP6 is on the minus strand). VCF-style: chr22-50218202-T-C. GRCh37 (hg19) VCF-style: chr22-50656631-T-C.
Other names: short protein forms K1719E.
Identifiers: ClinVar variation 2499304 (VCV002499304.1), dbSNP rs2519120555, ClinGen allele CA412163868.